The following is an entry in ClinVar:

NM_015662.3(IFT172):c.2611G>A (p.Asp871Asn)

Genes: IFT172 (intraflagellar transport 172; minus strand), LOC126806174 (CDK7 strongly-dependent group 2 enhancer GRCh37_chr2:27681686-27682885; plus strand). Cytogenetic location: 2p23.3.
Variant type: single nucleotide variant.
Coding change: c.2611G>A on transcript NM_015662.3 (MANE Select); coding-DNA position 2611, G replaced by A.
Protein change: p.Asp871Asn; replaces aspartic acid 871 with asparagine.
Molecular consequence: missense variant.
Genome position (GRCh38, 1-based): chr2:27,459,740, C>T on the plus strand (G>A on the coding strand, the complement: IFT172 is on the minus strand). VCF-style: chr2-27459740-C-T. GRCh37 (hg19) VCF-style: chr2-27682607-C-T.
Other names: c.2545G>A, p.Asp849Asn (NM_001410739.1); short protein forms D849N, D871N.
Identifiers: ClinVar variation 4792981 (VCV004792981.1).
Genomic context (GRCh38, chr2:27,459,740, plus strand): 5'-ATCTCCTTTACATTCCCATACTCCCATACCTGGCTTCGATGTAGTGATTAATGGCTGCAT[C>T]AAGCTGCTTCTGCTGCACCAGGTGGTCCCCCCATGCCTCCTCTAGTTTCACCACCTCCAC-3'
Protein context (NP_056477.1, residues 861-881): GDHLVQQKQL[Asp871Asn]AAINHYIEAR

ClinVar aggregate classification (germline): Uncertain significance (1 of 4 stars; one submission).

Conditions:
Short-rib thoracic dysplasia 10 with or without polydactyly (SRTD10). Identifiers: Orphanet 474, MedGen C3810175, MONDO:0014284, OMIM 615630.
Retinitis pigmentosa 71 (RP71). Identifiers: Orphanet 791, MedGen C4225342, MONDO:0014618, OMIM 616394.

Submission:

Labcorp Genetics (formerly Invitae), Labcorp
Classification: Uncertain significance for Retinitis pigmentosa 71; Short-rib thoracic dysplasia 10 with or without polydactyly. Last evaluated: 2025-06-06. Review status: criteria provided, single submitter. Criteria: Invitae Variant Classification Sherloc (09022015). Collection method: clinical testing. Allele origin: germline.
Comment: This sequence change replaces aspartic acid, which is acidic and polar, with asparagine, which is neutral and polar, at codon 871 of the IFT172 protein (p.Asp871Asn). This variant is not present in population databases (gnomAD no frequency). This variant has not been reported in the literature in individuals affected with IFT172-related conditions. Invitae Evidence Modeling of protein sequence and biophysical properties (such as structural, functional, and spatial information, amino acid conservation, physicochemical variation, residue mobility, and thermodynamic stability) has been performed for this missense variant. However, the output from this modeling did not meet the statistical confidence thresholds required to predict the impact of this variant on IFT172 protein function. In summary, the available evidence is currently insufficient to determine the role of this variant in disease. Therefore, it has been classified as a Variant of Uncertain Significance.